The following is an entry in ClinVar:

NM_001134407.3(GRIN2A):c.1008-3T>C

Gene: GRIN2A (glutamate ionotropic receptor NMDA type subunit 2A; minus strand). Cytogenetic location: 16p13.2.
Variant type: single nucleotide variant.
Coding change: c.1008-3T>C on transcript NM_001134407.3 (MANE Select); 3 bases into the intron before coding-DNA position 1008, T replaced by C.
Molecular consequence: intron variant.
Genome position (GRCh38, 1-based): chr16:9,891,103, A>G on the plus strand (T>C on the coding strand, the complement: GRIN2A is on the minus strand). VCF-style: chr16-9891103-A-G. GRCh37 (hg19) VCF-style: chr16-9984960-A-G.
Other names: c.1008-3T>C (NM_001134408.2, NM_000833.5).
Identifiers: ClinVar variation 3002595 (VCV003002595.3), dbSNP rs2542990279, ClinGen allele CA2575908605.

ClinVar aggregate classification (germline): Uncertain significance (1 of 4 stars; one submission).

Conditions:
Landau-Kleffner syndrome (FESD). Also called: EPILEPSY, FOCAL, WITH SPEECH DISORDER AND WITH OR WITHOUT MENTAL RETARDATION; APHASIA, ACQUIRED, WITH EPILEPSY. Identifiers: Orphanet 1945, Orphanet 725, Orphanet 98818, MedGen C0282512, MONDO:0009509, OMIM 245570.

Submission:

Labcorp Genetics (formerly Invitae), Labcorp
Classification: Uncertain significance for Landau-Kleffner syndrome. Last evaluated: 2023-03-21. Review status: criteria provided, single submitter. Criteria: Invitae Variant Classification Sherloc (09022015). Collection method: clinical testing. Allele origin: germline.
Comment: In summary, the available evidence is currently insufficient to determine the role of this variant in disease. Therefore, it has been classified as a Variant of Uncertain Significance. Variants that disrupt the consensus splice site are a relatively common cause of aberrant splicing (PMID: 17576681, 9536098). Algorithms developed to predict the effect of sequence changes on RNA splicing suggest that this variant is not likely to affect RNA splicing. This variant has not been reported in the literature in individuals affected with GRIN2A-related conditions. This variant is not present in population databases (gnomAD no frequency). This sequence change falls in intron 4 of the GRIN2A gene. It does not directly change the encoded amino acid sequence of the GRIN2A protein. It affects a nucleotide within the consensus splice site.

Literature cited by the submitters: PubMed 17576681; PubMed 9536098.